The following is an entry in ClinVar:

NM_000308.4(CTSA):c.948+1G>A

Gene: CTSA (cathepsin A; plus strand). Cytogenetic location: 20q13.12.
Variant type: single nucleotide variant.
Coding change: c.948+1G>A on transcript NM_000308.4 (MANE Select); the canonical splice donor site of the intron after coding-DNA position 948, G replaced by A.
Molecular consequence: splice donor variant.
Genome position (GRCh38, 1-based): chr20:45,894,902, G>A. VCF-style: chr20-45894902-G-A. GRCh37 (hg19) VCF-style: chr20-44523541-G-A.
Other names: c.948+1G>A (NM_001127695.3); c.897+1G>A (NM_001167594.3).
Identifiers: ClinVar variation 3062257 (VCV003062257.2), dbSNP rs2515440641, ClinGen allele CA409252539.

ClinVar aggregate classification (germline): Likely pathogenic. Review status: criteria provided, multiple submitters, no conflicts (2 of 4 stars). 2 submissions from 2 submitters: Likely pathogenic (2). Last evaluated 2024-05-11.

Conditions:
Combined deficiency of sialidase AND beta galactosidase (GSL). Also called: NEURAMINIDASE DEFICIENCY WITH BETA-GALACTOSIDASE DEFICIENCY; NEURAMINIDASE/BETA-GALACTOSIDASE EXPRESSION; PPCA DEFICIENCY; PROTECTIVE PROTEIN/CATHEPSIN A DEFICIENCY; CATHEPSIN A DEFICIENCY; GOLDBERG SYNDROME. Identifiers: Orphanet 351, MedGen C0268233, MONDO:0009737, OMIM 256540.

Submissions (2):

Fulgent Genetics
Classification: Likely pathogenic for Combined deficiency of sialidase AND beta galactosidase. Last evaluated: 2024-05-11. Review status: criteria provided, single submitter. Criteria: ACMG Guidelines, 2015. Collection method: clinical testing. Allele origin: germline.

Molecular Genetics Department, Kulakov National Medical Research Center for Obstetrics, Gynecology and Perinatology
Classification: Likely pathogenic for Combined deficiency of sialidase AND beta galactosidase. Review status: criteria provided, single submitter. Criteria: ACMG Guidelines, 2015. Collection method: clinical testing. Allele origin: maternal. Affected: yes.
Comment: A previously undescribed nucleotide variant creates an alteration of the canonical splice site c.948+1G>A in the CTSA gene. Homozygous and compound heterozygous variants are reported in patients with Galactosialidosis, 256540. The variant is not present in population database (gnomAD no frequency). In summary, the currently available evidence indicates that the variant is pathogenic, but additional data are needed to prove that conclusively. Therefore, this variant has been classified as likely pathogenic.